The following is an entry in ClinVar:

NM_138420.4(AHNAK2):c.819G>A (p.Pro273=)

Gene: AHNAK2 (AHNAK nucleoprotein 2; minus strand). Cytogenetic location: 14q32.33.
Variant type: single nucleotide variant.
Coding change: c.819G>A on transcript NM_138420.4 (MANE Select); coding-DNA position 819, G replaced by A.
Protein change: p.Pro273=; no amino-acid change (proline 273 retained).
Molecular consequence: synonymous variant.
Genome position (GRCh38, 1-based): chr14:104,954,632, C>T on the plus strand (G>A on the coding strand, the complement: AHNAK2 is on the minus strand). VCF-style: chr14-104954632-C-T. GRCh37 (hg19) VCF-style: chr14-105420969-C-T.
Other names: c.519G>A, p.Pro173= (NM_001350929.2).
Identifiers: ClinVar variation 2644894 (VCV002644894.24), dbSNP rs1049940812, ClinGen allele CA267400316.
Genomic context (GRCh38, chr14:104,954,632, plus strand): 5'-CACGTCATGTGCGTCCCTAGGTTCGTAGGCCTCTGACGAGCTGTGTGACCTCTGGGGTCC[C>T]GGCCCCCGCTTGCTCTTTATGGATTGAAATTTTGGCCAAGAGAGCCTCTCCCTCTGGCTC-3'
Protein context (NP_612429.2, residues 263-283): KFQSIKSKRG[Pro273=]GPQRSHSSSE

ClinVar aggregate classification (germline): Likely benign (1 of 4 stars; one submission).

gnomAD v4.1: 16 of 1,612,468 alleles (0.00099%); highest among the groups gnomAD compares: Non-Finnish European, 0.0014%; no homozygotes.

Submission:

CeGaT Center for Human Genetics Tuebingen
Classification: Likely benign. Last evaluated: 2023-02-01. Review status: criteria provided, single submitter. Criteria: CeGaT Center For Human Genetics Tuebingen Variant Classification Criteria Version 2. Collection method: clinical testing. Allele origin: germline. Affected: yes. Observed: 1 variant allele.
Comment: AHNAK2: BP4, BP7